The following is an entry in ClinVar:

ClinVar aggregate classification (germline): Uncertain significance (1 of 4 stars; one submission).

Conditions:
Brugada syndrome 8 (BRGDA8). Identifiers: Orphanet 130, MedGen C2751083, MONDO:0013148, OMIM 613123.

Allele frequency attached by ClinVar (database versions not stated): TOPMed below 0.00001.

Submission:

Labcorp Genetics (formerly Invitae), Labcorp
Classification: Uncertain significance for Brugada syndrome 8. Last evaluated: 2022-03-23. Review status: criteria provided, single submitter. Criteria: Invitae Variant Classification Sherloc (09022015). Collection method: clinical testing. Allele origin: germline.
Comment: In summary, the available evidence is currently insufficient to determine the role of this variant in disease. Therefore, it has been classified as a Variant of Uncertain Significance. Advanced modeling of protein sequence and biophysical properties (such as structural, functional, and spatial information, amino acid conservation, physicochemical variation, residue mobility, and thermodynamic stability) performed at Invitae indicates that this missense variant is not expected to disrupt HCN4 protein function. ClinVar contains an entry for this variant (Variation ID: 951074). This variant has not been reported in the literature in individuals affected with HCN4-related conditions. This variant is not present in population databases (gnomAD no frequency). This sequence change replaces serine, which is neutral and polar, with arginine, which is basic and polar, at codon 44 of the HCN4 protein (p.Ser44Arg).

NM_005477.3(HCN4):c.130A>C (p.Ser44Arg)

Gene: HCN4 (hyperpolarization activated cyclic nucleotide gated potassium channel 4; minus strand). Cytogenetic location: 15q24.1.
Variant type: single nucleotide variant.
Coding change: c.130A>C on transcript NM_005477.3 (MANE Select); coding-DNA position 130, A replaced by C.
Protein change: p.Ser44Arg; replaces serine 44 with arginine.
Molecular consequence: missense variant.
Genome position (GRCh38, 1-based): chr15:73,368,141, T>G on the plus strand (A>C on the coding strand, the complement: HCN4 is on the minus strand). VCF-style: chr15-73368141-T-G. GRCh37 (hg19) VCF-style: chr15-73660482-T-G.
Other names: short protein forms S44R.
Identifiers: ClinVar variation 951074 (VCV000951074.9), dbSNP rs2043138506, ClinGen allele CA393098936.